The following is an entry in ClinVar:

NM_001384732.1(CPLANE1):c.7709C>T (p.Ala2570Val)

Gene: CPLANE1 (ciliogenesis and planar polarity effector complex subunit 1; minus strand). Cytogenetic location: 5p13.2.
Variant type: single nucleotide variant.
Coding change: c.7709C>T on transcript NM_001384732.1 (MANE Select); coding-DNA position 7709, C replaced by T.
Protein change: p.Ala2570Val; replaces alanine 2570 with valine.
Molecular consequence: missense variant.
Genome position (GRCh38, 1-based): chr5:37,158,327, G>A on the plus strand (C>T on the coding strand, the complement: CPLANE1 is on the minus strand). VCF-style: chr5-37158327-G-A. GRCh37 (hg19) VCF-style: chr5-37158429-G-A.
Other names: c.7709C>T, p.Ala2570Val (NM_023073.4); short protein forms A2570V.
Identifiers: ClinVar variation 3026960 (VCV003026960.22), dbSNP rs2547380703, ClinGen allele CA359475496.

ClinVar aggregate classification (germline): Uncertain significance (1 of 4 stars; one submission).

Submission:

CeGaT Center for Human Genetics Tuebingen
Classification: Uncertain significance. Last evaluated: 2023-12-01. Review status: criteria provided, single submitter. Criteria: CeGaT Center For Human Genetics Tuebingen Variant Classification Criteria Version 2. Collection method: clinical testing. Allele origin: germline. Affected: yes. Observed: 1 variant allele.
Comment: CPLANE1: PM2, BP4